The following is an entry in ClinVar:

NM_001081.4(CUBN):c.3330-2A>G

Gene: CUBN (cubilin; minus strand). Cytogenetic location: 10p13.
Variant type: single nucleotide variant.
Coding change: c.3330-2A>G on transcript NM_001081.4 (MANE Select); the canonical splice acceptor site of the intron before coding-DNA position 3330, A replaced by G.
Molecular consequence: splice acceptor variant.
Genome position (GRCh38, 1-based): chr10:17,046,096, T>C on the plus strand (A>G on the coding strand, the complement: CUBN is on the minus strand). VCF-style: chr10-17046096-T-C. GRCh37 (hg19) VCF-style: chr10-17088095-T-C.
Identifiers: ClinVar variation 3047353 (VCV003047353.2), dbSNP rs2491946890, ClinGen allele CA376149837.

ClinVar aggregate classification (germline): Likely pathogenic (0 of 4 stars; one submission).

Conditions:
CUBN-related disorder. Also called: CUBN-related condition.

Submission:

PreventionGenetics, part of Exact Sciences
Classification: Likely pathogenic for CUBN-related condition. Last evaluated: 2023-11-11. Review status: no assertion criteria provided. Collection method: clinical testing. Allele origin: germline.
Comment: The CUBN c.3330-2A>G variant is predicted to disrupt the AG splice acceptor site and interfere with normal splicing. To our knowledge, this variant has not been reported in the literature or in a large population database, indicating this variant is rare. Variants that disrupt the consensus splice acceptor site in CUBN are expected to be pathogenic. This variant is interpreted as likely pathogenic.